The following is an entry in ClinVar:

NM_000548.5(TSC2):c.337-23_337-6del

Gene: TSC2 (TSC complex subunit 2; plus strand). Cytogenetic location: 16p13.3.
Variant type: Deletion.
Coding change: c.337-23_337-6del on transcript NM_000548.5 (MANE Select); 23 bases into the intron before coding-DNA position 337 through 6 bases into the intron before coding-DNA position 337, 18 bases deleted (GATCCTGTGGCTTTTGTC).
Molecular consequence: intron variant.
Genome position (GRCh38, 1-based): chr16:2,054,273-2,054,290, GATCCTGTGGCTTTTGTC deleted. VCF-style (leftmost placement, unchanged base first): chr16-2054272-TGATCCTGTGGCTTTTGTC-T. GRCh37 (hg19) VCF-style: chr16-2104273-TGATCCTGTGGCTTTTGTC-T.
Other names: c.-480-23_-480-6del (NM_001406687.1, NM_001406680.1, NM_001406683.1); c.-1095-23_-1095-6del (NM_001406689.1, NM_001406690.1, NM_001406692.1 and 2 more transcripts); c.-1271-23_-1271-6del (NM_001406698.1); c.337-23_337-6del (NM_001114382.3, NM_001406663.1, NM_001406664.1 and 8 more transcripts); c.-976-23_-976-6del (NM_001406694.1, NM_001406695.1); c.-1083-23_-1083-6del (NM_001406696.1); c.-109-23_-109-6del (NM_001406681.1); c.226-23_226-6del (NM_001406670.1, NM_001318827.2, NM_001406678.1); and 6 more.
Identifiers: ClinVar variation 3728190 (VCV003728190.2).

ClinVar aggregate classification (germline): Uncertain significance (1 of 4 stars; one submission).

Conditions:
Tuberous sclerosis 2 (TSC2). Identifiers: Orphanet 805, MedGen C1860707, MONDO:0013199, OMIM 613254.

Submission:

Labcorp Genetics (formerly Invitae), Labcorp
Classification: Uncertain significance for Tuberous sclerosis 2. Last evaluated: 2025-01-23. Review status: criteria provided, single submitter. Criteria: Invitae Variant Classification Sherloc (09022015). Collection method: clinical testing. Allele origin: germline.
Comment: This sequence change falls in intron 4 of the TSC2 gene. It does not directly change the encoded amino acid sequence of the TSC2 protein. This variant is not present in population databases (gnomAD no frequency). This variant has not been reported in the literature in individuals affected with TSC2-related conditions. Experimental studies and prediction algorithms are not available or were not evaluated, and the effect of this variant on mRNA splicing is currently unknown. In summary, the available evidence is currently insufficient to determine the role of this variant in disease. Therefore, it has been classified as a Variant of Uncertain Significance.